The following is an entry in ClinVar:

ClinVar aggregate classification (germline): Pathogenic (1 of 4 stars; one submission).

Allele frequency attached by ClinVar (database versions not stated): gnomAD exomes below 0.00001.

Submission:

Labcorp Genetics (formerly Invitae), Labcorp
Classification: Pathogenic. Last evaluated: 2023-11-20. Review status: criteria provided, single submitter. Criteria: Invitae Variant Classification Sherloc (09022015). Collection method: clinical testing. Allele origin: germline.
Comment: This sequence change creates a premature translational stop signal (p.Arg104*) in the SMARCD2 gene. It is expected to result in an absent or disrupted protein product. Loss-of-function variants in SMARCD2 are known to be pathogenic (PMID: 28369036). This variant is present in population databases (no rsID available, gnomAD 0.0009%). This variant has not been reported in the literature in individuals affected with SMARCD2-related conditions. Algorithms developed to predict the effect of sequence changes on RNA splicing suggest that this variant may disrupt the consensus splice site. For these reasons, this variant has been classified as Pathogenic.

Literature cited by the submitters: PubMed 28369036.

NM_001098426.2(SMARCD2):c.310C>T (p.Arg104Ter)

Gene: SMARCD2 (SWI/SNF related BAF chromatin remodeling complex subunit D2; minus strand). Cytogenetic location: 17q23.3.
Variant type: single nucleotide variant.
Coding change: c.310C>T on transcript NM_001098426.2 (MANE Select); coding-DNA position 310, C replaced by T.
Protein change: p.Arg104Ter; replaces arginine 104 with a stop codon.
Molecular consequence: nonsense.
Genome position (GRCh38, 1-based): chr17:63,837,532, G>A on the plus strand (C>T on the coding strand, the complement: SMARCD2 is on the minus strand). VCF-style: chr17-63837532-G-A. GRCh37 (hg19) VCF-style: chr17-61914892-G-A.
Other names: c.85C>T, p.Arg29Ter (NM_001330439.1); c.166C>T, p.Arg56Ter (NM_001330440.2); short protein forms R56*, R104*, R29*.
Identifiers: ClinVar variation 2748302 (VCV002748302.3), dbSNP rs1339630793, ClinGen allele CA400601626.
Genomic context (GRCh38, chr17:63,837,532, plus strand): 5'-CCTGGGGCACAAGCAGGCGTTTTCGGAATGGATCCATCATGGTGGGTGGCATGCCAGGTC[G>A]AAGCGGAGCTGCTGCACCAAATGGGGAGCCAGCAGGGGGTCCCACCTGCAAGCCAGCCAT-3'